The following is an entry in ClinVar:

ClinVar aggregate classification (germline): Likely benign. Review status: criteria provided, multiple submitters, no conflicts (2 of 4 stars). 7 submissions from 7 submitters: Likely benign (5). 2 of the submissions do not count toward it. Last evaluated 2025-12-26.

Conditions:
FLNC-related disorder. Also called: FLNC-related condition; FLNC-related disorders.
Cardiovascular phenotype. Identifiers: MedGen CN230736.
Hypertrophic cardiomyopathy 26. Also called: Cardiomyopathy, familial hypertrophic, 26. Identifiers: Orphanet 75249, MedGen C4310749, MONDO:0014883, OMIM 617047.
Myofibrillar myopathy 5. Also called: FILAMINOPATHY, AUTOSOMAL DOMINANT; Filaminopathy (type). Identifiers: Orphanet 171445, MedGen C1836050, MONDO:0012289, OMIM 609524.
Distal myopathy with posterior leg and anterior hand involvement. Also called: WILLIAMS DISTAL MYOPATHY. Identifiers: Orphanet 63273, MedGen C3279722, MONDO:0013550, OMIM 614065.

Allele frequency attached by ClinVar (database versions not stated): ExAC 0.00001; gnomAD 0.00002; TOPMed 0.00002; gnomAD exomes 0.00003 and 0.00006.
gnomAD v4.1: 82 of 1,614,052 alleles (0.0051%); highest among the groups gnomAD compares: South Asian, 0.0066%; no homozygotes.

Submissions (7):

Labcorp Genetics (formerly Invitae), Labcorp
Classification: Likely benign for Distal myopathy with posterior leg and anterior hand involvement; Myofibrillar myopathy 5; Hypertrophic cardiomyopathy 26. Last evaluated: 2025-12-26. Review status: criteria provided, single submitter. Criteria: Invitae Variant Classification Sherloc (09022015). Collection method: clinical testing. Allele origin: germline.

PreventionGenetics, part of Exact Sciences
Classification: Likely benign for FLNC-related condition. Last evaluated: 2024-12-08. Review status: criteria provided, single submitter. Criteria: ACMG Guidelines, 2015. Collection method: clinical testing. Allele origin: germline.
Comment: This variant is classified as likely benign based on ACMG/AMP sequence variant interpretation guidelines (Richards et al. 2015 PMID: 25741868, with internal and published modifications).

Blueprint Genetics
Classification: Likely benign. Last evaluated: 2024-02-07. Review status: criteria provided, single submitter. Criteria: ACMG Guidelines, 2015. Collection method: clinical testing. Allele origin: germline.

GeneDx
Classification: Likely benign. Last evaluated: 2021-03-25. Review status: criteria provided, single submitter. Criteria: GeneDx Variant Classification Process June 2021. Collection method: clinical testing. Allele origin: germline. Affected: yes.

Ambry Genetics
Classification: Likely benign for Cardiovascular phenotype. Last evaluated: 2020-09-18. Review status: criteria provided, single submitter. Criteria: Ambry Variant Classification Scheme 2023. Collection method: clinical testing. Allele origin: germline.

Clinical Genetics, Academic Medical Center
Classification: Likely benign. Review status: no assertion criteria provided. Collection method: clinical testing. Allele origin: germline. Affected: yes. Study: VKGL Data-share Consensus. Not counted in ClinVar's aggregate classification.

Genome Diagnostics Laboratory, University Medical Center Utrecht
Classification: Likely benign. Review status: no assertion criteria provided. Collection method: clinical testing. Allele origin: germline. Affected: yes. Study: VKGL Data-share Consensus. Not counted in ClinVar's aggregate classification.

NM_001458.5(FLNC):c.5124G>A (p.Ala1708=)

Gene: FLNC (filamin C; plus strand). Cytogenetic location: 7q32.1.
Variant type: single nucleotide variant.
Coding change: c.5124G>A on transcript NM_001458.5 (MANE Select); coding-DNA position 5124, G replaced by A.
Protein change: p.Ala1708=; no amino-acid change (alanine 1708 retained).
Molecular consequence: synonymous variant.
Genome position (GRCh38, 1-based): chr7:128,849,503, G>A. VCF-style: chr7-128849503-G-A. GRCh37 (hg19) VCF-style: chr7-128489557-G-A.
Other names: c.5124G>A, p.Ala1708= (NM_001127487.2).
Identifiers: ClinVar variation 518183 (VCV000518183.17), dbSNP rs764707313, ClinGen allele CA4475559.